The following is an entry in ClinVar:

NM_001298.3(CNGA3):c.1525A>G (p.Ile509Val)

Gene: CNGA3 (cyclic nucleotide gated channel subunit alpha 3; plus strand). Cytogenetic location: 2q11.2.
Variant type: single nucleotide variant.
Coding change: c.1525A>G on transcript NM_001298.3 (MANE Select); coding-DNA position 1525, A replaced by G.
Protein change: p.Ile509Val; replaces isoleucine 509 with valine.
Molecular consequence: missense variant.
Genome position (GRCh38, 1-based): chr2:98,396,695, A>G. VCF-style: chr2-98396695-A-G. GRCh37 (hg19) VCF-style: chr2-99013158-A-G.
Other names: c.1471A>G, p.Ile491Val (NM_001079878.2); short protein forms I509V, I491V.
Identifiers: ClinVar variation 1044604 (VCV001044604.8), dbSNP rs1692925549, ClinGen allele CA347833731.

ClinVar aggregate classification (germline): Uncertain significance (1 of 4 stars; one submission).

Allele frequency attached by ClinVar (database versions not stated): gnomAD exomes below 0.00001; TOPMed 0.00001.
gnomAD v4.1: 1 of 1,614,132 alleles (0.000062%); highest among the groups gnomAD compares: African/African-American, 0.0013%; no homozygotes.

Submission:

Labcorp Genetics (formerly Invitae), Labcorp
Classification: Uncertain significance. Last evaluated: 2022-02-24. Review status: criteria provided, single submitter. Criteria: Invitae Variant Classification Sherloc (09022015). Collection method: clinical testing. Allele origin: germline.
Comment: In summary, the available evidence is currently insufficient to determine the role of this variant in disease. Therefore, it has been classified as a Variant of Uncertain Significance. Advanced modeling of protein sequence and biophysical properties (such as structural, functional, and spatial information, amino acid conservation, physicochemical variation, residue mobility, and thermodynamic stability) performed at Invitae indicates that this missense variant is not expected to disrupt CNGA3 protein function. ClinVar contains an entry for this variant (Variation ID: 1044604). This variant has not been reported in the literature in individuals affected with CNGA3-related conditions. This variant is not present in population databases (gnomAD no frequency). This sequence change replaces isoleucine, which is neutral and non-polar, with valine, which is neutral and non-polar, at codon 509 of the CNGA3 protein (p.Ile509Val).